The following is an entry in ClinVar:

ClinVar aggregate classification (germline): Benign/Likely benign. Review status: criteria provided, multiple submitters, no conflicts (2 of 4 stars). 3 submissions from 3 submitters: Benign (1); Likely benign (2). Last evaluated 2026-01-03.

Conditions:
TWIST1-related craniosynostosis (CRS1). Also called: CRANIOSYNOSTOSIS 1. Identifiers: Orphanet 63440, MedGen C4551902, MONDO:0007399, OMIM 123100. Inheritance: Heterogenous inheritance pattern.

Allele frequency attached by ClinVar (database versions not stated): ESP Exome Variant Server 0.00024; 1000 Genomes Project 30x 0.00031; 1000 Genomes Project 0.00040; gnomAD 0.00130 and 0.00133; TOPMed 0.00219.
gnomAD v4.1: 1,183 of 1,606,940 alleles (0.074%); highest among the groups gnomAD compares: Admixed American, 1.8%; 13 homozygotes.

Submissions (3):

Labcorp Genetics (formerly Invitae), Labcorp
Classification: Benign for TWIST1-related craniosynostosis. Last evaluated: 2026-01-03. Review status: criteria provided, single submitter. Criteria: Invitae Variant Classification Sherloc (09022015). Collection method: clinical testing. Allele origin: germline.

GeneDx
Classification: Likely benign. Last evaluated: 2025-02-19. Review status: criteria provided, single submitter. Criteria: GeneDx Variant Classification Process June 2021. Collection method: clinical testing. Allele origin: germline. Affected: yes.
Comment: See Variant Classification Assertion Criteria.

Breakthrough Genomics
Classification: Likely benign. Review status: criteria provided, single submitter. Criteria: ACMG Guidelines, 2015. Collection method: not provided. Allele origin: germline. Inheritance: Autosomal dominant inheritance. Affected: yes.

NM_006494.4(ERF):c.1192G>A (p.Gly398Ser)

Gene: ERF (ETS2 repressor factor; minus strand). Cytogenetic location: 19q13.2.
Variant type: single nucleotide variant.
Coding change: c.1192G>A on transcript NM_006494.4 (MANE Select); coding-DNA position 1192, G replaced by A.
Protein change: p.Gly398Ser; replaces glycine 398 with serine.
Molecular consequence: missense variant.
Genome position (GRCh38, 1-based): chr19:42,248,920, C>T on the plus strand (G>A on the coding strand, the complement: ERF is on the minus strand). VCF-style: chr19-42248920-C-T. GRCh37 (hg19) VCF-style: chr19-42753072-C-T.
Other names: c.967G>A, p.Gly323Ser (NM_001301035.2, NM_001308402.2, NM_001312656.2); short protein forms G323S, G398S.
Identifiers: ClinVar variation 702043 (VCV000702043.16), dbSNP rs111793182, ClinGen allele CA9471232.